The following is an entry in ClinVar:

NM_001111.5(ADAR):c.3152C>G (p.Ala1051Gly)

Gene: ADAR (adenosine deaminase RNA specific; minus strand). Cytogenetic location: 1q21.3.
Variant type: single nucleotide variant.
Coding change: c.3152C>G on transcript NM_001111.5 (MANE Select); coding-DNA position 3152, C replaced by G.
Protein change: p.Ala1051Gly; replaces alanine 1051 with glycine.
Molecular consequence: missense variant.
Genome position (GRCh38, 1-based): chr1:154,586,231, G>C on the plus strand (C>G on the coding strand, the complement: ADAR is on the minus strand). VCF-style: chr1-154586231-G-C. GRCh37 (hg19) VCF-style: chr1-154558707-G-C.
Other names: c.2267C>G, p.Ala756Gly (NM_001025107.3, NM_001193495.2, NM_001365046.1 and 2 more transcripts); c.3179C>G, p.Ala1060Gly (NM_001365045.1); c.2189C>G, p.Ala730Gly (NM_001365049.1); c.3074C>G, p.Ala1025Gly (NM_015840.4); c.3017C>G, p.Ala1006Gly (NM_015841.4); short protein forms A1025G, A1051G, A1060G, A756G, A1006G, A730G.
Identifiers: ClinVar variation 2953959 (VCV002953959.3), dbSNP rs778102753, ClinGen allele CA1131043.
Genomic context (GRCh38, chr1:154,586,231, plus strand): 5'-GGCCCCTTACCCAATGTGACAGATTTGAGATAAATGGGCTGCAGGAAGTGGGTCAACAGT[G>C]CCCCTTGCAGGCCCAGCACGTTCCAGCGTAGGATTTTGTCACTACAGGACATGGTACGGA-3'
Protein context (NP_001102.3, residues 1041-1061): LRWNVLGLQG[Ala1051Gly]LLTHFLQPIY

ClinVar aggregate classification (germline): Uncertain significance (1 of 4 stars; one submission).

Conditions:
Symmetrical dyschromatosis of extremities (DSH). Also called: RETICULATE ACROPIGMENTATION OF DOHI; DYSCHROMATOSIS SYMMETRICA HEREDITARIA 1; SYMMETRIC DYSCHROMATOSIS OF THE EXTREMITIES; Dyschromatosis symmetrica hereditaria. Identifiers: Orphanet 41, MedGen C0406775, MONDO:0007483, OMIM 127400.
Aicardi-Goutieres syndrome 6 (AGS6). Identifiers: Orphanet 51, MedGen C3539013, MONDO:0014007, OMIM 615010.

Allele frequency attached by ClinVar (database versions not stated): ExAC 0.00001.
gnomAD v4.1: 7 of 1,614,222 alleles (0.00043%); highest among the groups gnomAD compares: Middle Eastern, 0.017%; no homozygotes.

Submission:

Labcorp Genetics (formerly Invitae), Labcorp
Classification: Uncertain significance for Aicardi-Goutieres syndrome 6; Symmetrical dyschromatosis of extremities. Last evaluated: 2024-10-08. Review status: criteria provided, single submitter. Criteria: Invitae Variant Classification Sherloc (09022015). Collection method: clinical testing. Allele origin: germline.
Comment: This sequence change replaces alanine, which is neutral and non-polar, with glycine, which is neutral and non-polar, at codon 1051 of the ADAR protein (p.Ala1051Gly). This variant is present in population databases (rs778102753, gnomAD 0.006%). This variant has not been reported in the literature in individuals affected with ADAR-related conditions. Invitae Evidence Modeling of protein sequence and biophysical properties (such as structural, functional, and spatial information, amino acid conservation, physicochemical variation, residue mobility, and thermodynamic stability) indicates that this missense variant is not expected to disrupt ADAR protein function with a negative predictive value of 80%. In summary, the available evidence is currently insufficient to determine the role of this variant in disease. Therefore, it has been classified as a Variant of Uncertain Significance.